The following is an entry in ClinVar:

ClinVar aggregate classification (germline): Conflicting classifications of pathogenicity. Review status: criteria provided, conflicting classifications (1 of 4 stars). 5 submissions from 5 submitters: Uncertain significance (4); Likely benign (1). Last evaluated 2024-05-30.

Conditions:
Inborn genetic diseases. Identifiers: MedGen C0950123, MeSH D030342.
Fanconi anemia complementation group L (FANCL). Also called: FANCL-Related Fanconi Anemia. Identifiers: Orphanet 84, MedGen C3469528, MONDO:0013566, OMIM 614083.
Fanconi anemia (FA). Also called: Fanconi's anemia. Identifiers: Orphanet 84, MedGen C0015625, MeSH D005199, MONDO:0019391.

Allele frequency attached by ClinVar (database versions not stated): TOPMed 0.00002; ExAC 0.00005; ESP Exome Variant Server 0.00015; 1000 Genomes Project 30x 0.00016; 1000 Genomes Project 0.00020.
gnomAD v4.1: 37 of 1,613,586 alleles (0.0023%); highest among the groups gnomAD compares: Admixed American, 0.013%; no homozygotes.

Submissions (5):

Fulgent Genetics
Classification: Uncertain significance for Fanconi anemia complementation group L. Last evaluated: 2024-05-30. Review status: criteria provided, single submitter. Criteria: ACMG Guidelines, 2015. Collection method: clinical testing. Allele origin: germline.

Ambry Genetics
Classification: Likely benign for Inborn genetic diseases. Last evaluated: 2024-05-15. Review status: criteria provided, single submitter. Criteria: Ambry Variant Classification Scheme 2023. Collection method: clinical testing. Allele origin: germline.

Labcorp Genetics (formerly Invitae), Labcorp
Classification: Uncertain significance for Fanconi anemia. Last evaluated: 2022-10-19. Review status: criteria provided, single submitter. Criteria: Invitae Variant Classification Sherloc (09022015). Collection method: clinical testing. Allele origin: germline.
Comment: This sequence change replaces alanine, which is neutral and non-polar, with valine, which is neutral and non-polar, at codon 175 of the FANCL protein (p.Ala175Val). This variant is present in population databases (rs199966372, gnomAD 0.007%). This variant has not been reported in the literature in individuals affected with FANCL-related conditions. ClinVar contains an entry for this variant (Variation ID: 898372). Advanced modeling of protein sequence and biophysical properties (such as structural, functional, and spatial information, amino acid conservation, physicochemical variation, residue mobility, and thermodynamic stability) performed at Invitae indicates that this missense variant is not expected to disrupt FANCL protein function. In summary, the available evidence is currently insufficient to determine the role of this variant in disease. Therefore, it has been classified as a Variant of Uncertain Significance.

Baylor Genetics
Classification: Uncertain significance for Fanconi anemia complementation group L. Last evaluated: 2019-04-03. Review status: criteria provided, single submitter. Criteria: ACMG Guidelines, 2015. Collection method: clinical testing. Allele origin: unknown. Affected: yes. Study: CSER-TexasKidsCanSeq.
Comment: This variant was determined to be of uncertain significance according to ACMG Guidelines, 2015 [PMID:25741868].

Illumina Laboratory Services, Illumina
Classification: Uncertain significance for Fanconi anemia complementation group L. Last evaluated: 2018-01-13. Review status: criteria provided, single submitter. Criteria: ICSL Variant Classification Criteria 13 December 2019. Collection method: clinical testing. Allele origin: germline.

NM_018062.4(FANCL):c.524C>T (p.Ala175Val)

Gene: FANCL (FA complementation group L; minus strand). Cytogenetic location: 2p16.1.
Variant type: single nucleotide variant.
Coding change: c.524C>T on transcript NM_018062.4 (MANE Select); coding-DNA position 524, C replaced by T.
Protein change: p.Ala175Val; replaces alanine 175 with valine.
Molecular consequence: missense variant.
Genome position (GRCh38, 1-based): chr2:58,198,610, G>A on the plus strand (C>T on the coding strand, the complement: FANCL is on the minus strand). VCF-style: chr2-58198610-G-A. GRCh37 (hg19) VCF-style: chr2-58425745-G-A.
Other names: c.524C>T, p.Ala175Val (NM_001114636.2, NM_001374615.1, NM_001410792.1); short protein forms A175V.
Identifiers: ClinVar variation 898372 (VCV000898372.12), dbSNP rs199966372, ClinGen allele CA1670591.